The following is an entry in ClinVar:

NM_000138.5(FBN1):c.2149_2150insGA (p.Met717fs)

Gene: FBN1 (fibrillin 1; minus strand). Cytogenetic location: 15q21.1.
Variant type: Insertion.
Coding change: c.2149_2150insGA on transcript NM_000138.5 (MANE Select); coding-DNA positions 2149 to 2150, GA inserted.
Protein change: p.Met717fs; shifts the reading frame from methionine 717.
Molecular consequence: frameshift variant.
Genome position: GRCh38 VCF-style: chr15-48499002-A-ATC. GRCh37 (hg19) VCF-style: chr15-48791199-A-ATC.
Other names: short protein forms M717fs.
Identifiers: ClinVar variation 945211 (VCV000945211.7), dbSNP rs2043633143, ClinGen allele CA1139663973.
Genomic context (GRCh38, chr15:48,499,002, plus strand): 5'-TCTGCACATACTGAAGGTAGTAAATTTTGAAAGGAATCCTTACCACTGCCTGCTGACGTC[A>ATC]TTCCTGGCCCACTGCTGCAGAGTGCCTGATATTCCGCTGCAATAAATTAACAGATAGTAA-3'

ClinVar aggregate classification (germline): Pathogenic (1 of 4 stars; one submission).

Conditions:
Familial thoracic aortic aneurysm and aortic dissection (TAAD). Also called: Thoracic aortic aneurysms and dissections. Identifiers: Orphanet 91387, MedGen C4707243, MONDO:0019625.
Marfan syndrome (MFS). Also called: Marfan syndrome, classic; Marfan syndrome type 1; Marfan's syndrome; FBN1-Related Marfan Syndrome; MARFAN SYNDROME, TYPE I. Identifiers: Orphanet 284963, Orphanet 558, MedGen C0024796, MONDO:0007947, OMIM 154700.

Submission:

Labcorp Genetics (formerly Invitae), Labcorp
Classification: Pathogenic for Marfan syndrome; Familial thoracic aortic aneurysm and aortic dissection. Last evaluated: 2022-12-06. Review status: criteria provided, single submitter. Criteria: Invitae Variant Classification Sherloc (09022015). Collection method: clinical testing. Allele origin: germline.
Comment: For these reasons, this variant has been classified as Pathogenic. ClinVar contains an entry for this variant (Variation ID: 945211). This variant has not been reported in the literature in individuals affected with FBN1-related conditions. This variant is not present in population databases (gnomAD no frequency). This sequence change creates a premature translational stop signal (p.Met717Argfs*2) in the FBN1 gene. It is expected to result in an absent or disrupted protein product. Loss-of-function variants in FBN1 are known to be pathogenic (PMID: 17657824, 19293843).

Literature cited by the submitters: PubMed 17657824; PubMed 19293843.